The following is an entry in ClinVar:

ClinVar aggregate classification (germline): Uncertain significance (1 of 4 stars; one submission).

Conditions:
Cardiovascular phenotype. Identifiers: MedGen CN230736.

Submission:

Ambry Genetics
Classification: Uncertain significance for Cardiovascular phenotype. Last evaluated: 2025-08-25. Review status: criteria provided, single submitter. Criteria: Ambry Variant Classification Scheme 2023. Collection method: clinical testing. Allele origin: germline.
Comment: The p.A957V variant (also known as c.2870C>T), located in coding exon 22 of the CACNA1C gene, results from a C to T substitution at nucleotide position 2870. The alanine at codon 957 is replaced by valine, an amino acid with similar properties. This amino acid position is highly conserved in available vertebrate species. In addition, this alteration is predicted to be deleterious by in silico analysis. Based on the available evidence, the clinical significance of this variant remains unclear.

NM_000719.7(CACNA1C):c.2870C>T (p.Ala957Val)

Gene: CACNA1C (calcium voltage-gated channel subunit alpha1 C; plus strand). Cytogenetic location: 12p13.33.
Variant type: single nucleotide variant.
Coding change: c.2870C>T on transcript NM_000719.7 (MANE Select); coding-DNA position 2870, C replaced by T.
Protein change: p.Ala957Val; replaces alanine 957 with valine.
Molecular consequence: missense variant.
Genome position (GRCh38, 1-based): chr12:2,601,870, C>T. VCF-style: chr12-2601870-C-T. GRCh37 (hg19) VCF-style: chr12-2711036-C-T.
Other names: c.2870C>T, p.Ala957Val (NM_001129837.2, NM_001129838.2, NM_001129839.2 and 15 more transcripts); c.2861C>T, p.Ala954Val (NM_001129844.2); c.2930C>T, p.Ala977Val (NM_199460.4, NM_001129827.2, NM_001129832.2); short protein forms A977V, A954V, A957V.
Identifiers: ClinVar variation 4217778 (VCV004217778.1).
Genomic context (GRCh38, chr12:2,601,870, plus strand): 5'-GGCTAGGGCCACTCACACTGGTGTTCCTTTGTCCCTCCCTGCAGATGACTGCTTATGGGG[C>T]TTTCTTGCACAAGGGTTCTTTCTGCCGGAACTACTTCAACATCCTGGACCTGCTGGTGGT-3'
Protein context (NP_000710.5, residues 947-967): EIALKMTAYG[Ala957Val]FLHKGSFCRN